The following is an entry in ClinVar:

NM_006208.3(ENPP1):c.62G>C (p.Arg21Pro)

Gene: ENPP1 (ectonucleotide pyrophosphatase/phosphodiesterase 1; plus strand). Cytogenetic location: 6q23.2.
Variant type: single nucleotide variant.
Coding change: c.62G>C on transcript NM_006208.3 (MANE Select); coding-DNA position 62, G replaced by C.
Protein change: p.Arg21Pro; replaces arginine 21 with proline.
Molecular consequence: missense variant.
Genome position (GRCh38, 1-based): chr6:131,808,097, G>C. VCF-style: chr6-131808097-G-C. GRCh37 (hg19) VCF-style: chr6-132129237-G-C.
Other names: short protein forms R21P.
Identifiers: ClinVar variation 4683148 (VCV004683148.1).

ClinVar aggregate classification (germline): Uncertain significance (1 of 4 stars; one submission).

Conditions:
Hypophosphataemia or rickets.

Submission:

Cambridge Genomics Laboratory, East Genomic Laboratory Hub, NHS Genomic Medicine Service
Classification: Uncertain significance for Hypophosphataemia or rickets. Last evaluated: 2025-03-04. Review status: criteria provided, single submitter. Criteria: ACGS Best Practice Guidelines for Variant Classification in Rare Disease 2020. Collection method: clinical testing. Allele origin: germline. Affected: yes.
Comment: PM2,BP4